The following is an entry in ClinVar:

NM_014140.4(SMARCAL1):c.553C>T (p.Pro185Ser)

Gene: SMARCAL1 (SNF2 related chromatin remodeling annealing helicase 1; plus strand). Cytogenetic location: 2q35.
Variant type: single nucleotide variant.
Coding change: c.553C>T on transcript NM_014140.4 (MANE Select); coding-DNA position 553, C replaced by T.
Protein change: p.Pro185Ser; replaces proline 185 with serine.
Molecular consequence: missense variant.
Genome position (GRCh38, 1-based): chr2:216,415,257, C>T. VCF-style: chr2-216415257-C-T. GRCh37 (hg19) VCF-style: chr2-217279980-C-T.
Other names: c.553C>T, p.Pro185Ser (NM_001127207.2); short protein forms P185S.
Identifiers: ClinVar variation 1062633 (VCV001062633.12), dbSNP rs1265303129, ClinGen allele CA350497549.

ClinVar aggregate classification (germline): Uncertain significance. Review status: criteria provided, multiple submitters, no conflicts (2 of 4 stars). 3 submissions from 3 submitters: Uncertain significance (2). 1 of the submissions does not count toward it. Last evaluated 2024-04-02.

Conditions:
Schimke immuno-osseous dysplasia (SIOD). Also called: Schimke Immunoosseous Dysplasia. Identifiers: Orphanet 1830, MedGen C0877024, MONDO:0009458, OMIM 242900.

Allele frequency attached by ClinVar (database versions not stated): gnomAD exomes below 0.00001 and 0.00003; gnomAD 0.00001; TOPMed 0.00001.
gnomAD v4.1: 41 of 1,614,142 alleles (0.0025%); highest among the groups gnomAD compares: Non-Finnish European, 0.0033%; no homozygotes.

Submissions (3):

Labcorp Genetics (formerly Invitae), Labcorp
Classification: Uncertain significance for Schimke immuno-osseous dysplasia. Last evaluated: 2024-04-02. Review status: criteria provided, single submitter. Criteria: Invitae Variant Classification Sherloc (09022015). Collection method: clinical testing. Allele origin: germline.
Comment: This sequence change replaces proline, which is neutral and non-polar, with serine, which is neutral and polar, at codon 185 of the SMARCAL1 protein (p.Pro185Ser). This variant is present in population databases (no rsID available, gnomAD 0.0009%). This variant has not been reported in the literature in individuals affected with SMARCAL1-related conditions. ClinVar contains an entry for this variant (Variation ID: 1062633). Advanced modeling of protein sequence and biophysical properties (such as structural, functional, and spatial information, amino acid conservation, physicochemical variation, residue mobility, and thermodynamic stability) performed at Invitae indicates that this missense variant is not expected to disrupt SMARCAL1 protein function with a negative predictive value of 80%. In summary, the available evidence is currently insufficient to determine the role of this variant in disease. Therefore, it has been classified as a Variant of Uncertain Significance.

Fulgent Genetics
Classification: Uncertain significance for Schimke immuno-osseous dysplasia. Last evaluated: 2021-09-13. Review status: criteria provided, single submitter. Criteria: ACMG Guidelines, 2015. Collection method: clinical testing. Allele origin: unknown.

Natera, Inc.
Classification: Uncertain significance for Schimke immuno-osseous dysplasia. Last evaluated: 2020-10-28. Review status: no assertion criteria provided. Collection method: clinical testing. Allele origin: germline. Not counted in ClinVar's aggregate classification.